The following is an entry in ClinVar:

NM_001376.5(DYNC1H1):c.7399C>T (p.Arg2467Cys)

Gene: DYNC1H1 (dynein cytoplasmic 1 heavy chain 1; plus strand). Cytogenetic location: 14q32.31.
Variant type: single nucleotide variant.
Coding change: c.7399C>T on transcript NM_001376.5 (MANE Select); coding-DNA position 7399, C replaced by T.
Protein change: p.Arg2467Cys; replaces arginine 2467 with cysteine.
Molecular consequence: missense variant.
Genome position (GRCh38, 1-based): chr14:102,016,012, C>T. VCF-style: chr14-102016012-C-T. GRCh37 (hg19) VCF-style: chr14-102482349-C-T.
Other names: short protein forms R2467C.
Identifiers: ClinVar variation 1015508 (VCV001015508.8), dbSNP rs2048316541, ClinGen allele CA391002042.

ClinVar aggregate classification (germline): Uncertain significance. Review status: criteria provided, multiple submitters, no conflicts (2 of 4 stars). 2 submissions from 2 submitters: Uncertain significance (2). Last evaluated 2025-09-24.

Conditions:
Charcot-Marie-Tooth disease axonal type 2O. Also called: CHARCOT-MARIE-TOOTH NEUROPATHY, AXONAL, TYPE 2O; CHARCOT-MARIE-TOOTH DISEASE, AXONAL, AUTOSOMAL DOMINANT, TYPE 2O; Charcot-Marie-Tooth Neuropathy Type 2O; Charcot-Marie-Tooth disease, axonal, type 20. Identifiers: Orphanet 284232, MedGen C3280220, MONDO:0013644, OMIM 614228.

Allele frequency attached by ClinVar (database versions not stated): TOPMed below 0.00001; gnomAD 0.00001.

Submissions (2):

Genesolutions, Medical Genetics Institutes, Ho Chi Minh City, Vietnam
Classification: Uncertain significance for Charcot-Marie-Tooth disease axonal type 2O. Last evaluated: 2025-09-24. Review status: criteria provided, single submitter. Criteria: ACMG Guidelines, 2015. Collection method: clinical testing. Allele origin: germline. Affected: yes.

Labcorp Genetics (formerly Invitae), Labcorp
Classification: Uncertain significance for Charcot-Marie-Tooth disease axonal type 2O. Last evaluated: 2021-04-25. Review status: criteria provided, single submitter. Criteria: Invitae Variant Classification Sherloc (09022015). Collection method: clinical testing. Allele origin: germline.
Comment: In summary, the available evidence is currently insufficient to determine the role of this variant in disease. Therefore, it has been classified as a Variant of Uncertain Significance. Algorithms developed to predict the effect of missense changes on protein structure and function are either unavailable or do not agree on the potential impact of this missense change (SIFT: "Deleterious"; PolyPhen-2: "Probably Damaging"; Align-GVGD: "Class C0"). This variant has not been reported in the literature in individuals with DYNC1H1-related conditions. This variant is not present in population databases (ExAC no frequency). This sequence change replaces arginine with cysteine at codon 2467 of the DYNC1H1 protein (p.Arg2467Cys). The arginine residue is highly conserved and there is a large physicochemical difference between arginine and cysteine.